The following is an entry in ClinVar:

NM_000257.4(MYH7):c.4663G>A (p.Glu1555Lys)

Genes: MHRT (myosin heavy chain associated RNA transcript; plus strand), MYH7 (myosin heavy chain 7; minus strand), LOC126861897 (BRD4-independent group 4 enhancer GRCh37_chr14:23884455-23885654; plus strand). Cytogenetic location: 14q11.2.
Variant type: single nucleotide variant.
Coding change: c.4663G>A on transcript NM_000257.4 (MANE Select); coding-DNA position 4663, G replaced by A.
Protein change: p.Glu1555Lys; replaces glutamic acid 1555 with lysine.
Molecular consequence: missense variant. On other transcripts: non-coding transcript variant (1).
Genome position (GRCh38, 1-based): chr14:23,416,294, C>T on the plus strand (G>A on the coding strand, the complement: MYH7 is on the minus strand). VCF-style: chr14-23416294-C-T. GRCh37 (hg19) VCF-style: chr14-23885503-C-T.
Other names: c.4663G>A (NM_000257.2); short protein forms E1555K.
Identifiers: ClinVar variation 571204 (VCV000571204.10), dbSNP rs727505176, ClinGen allele CA389037905.

ClinVar aggregate classification (germline): Conflicting classifications of pathogenicity. Review status: criteria provided, conflicting classifications (1 of 4 stars). 2 submissions from 2 submitters: Likely pathogenic (1); Uncertain significance (1). Last evaluated 2025-03-04.

Conditions:
Cardiomyopathy (CMYO). Also called: Cardiomyopathies. Identifiers: Orphanet 167848, MedGen C0878544, MONDO:0004994, HP:0001638. Inheritance: Various modes of inheritance.
Hypertrophic cardiomyopathy. Also called: HYPERTROPHIC MYOCARDIOPATHY. Identifiers: Orphanet 217569, MedGen C0007194, MeSH D002312, MONDO:0005045, HP:0001639.

Submissions (2):

Labcorp Genetics (formerly Invitae), Labcorp
Classification: Uncertain significance for Hypertrophic cardiomyopathy. Last evaluated: 2025-03-04. Review status: criteria provided, single submitter. Criteria: Invitae Variant Classification Sherloc (09022015). Collection method: clinical testing. Allele origin: germline.
Comment: This sequence change replaces glutamic acid, which is acidic and polar, with lysine, which is basic and polar, at codon 1555 of the MYH7 protein (p.Glu1555Lys). This variant is not present in population databases (gnomAD no frequency). This missense change has been observed in individual(s) with hypertrophic cardiomyopathy (HCM) (PMID: 11968089, 22765922). ClinVar contains an entry for this variant (Variation ID: 571204). Invitae Evidence Modeling of protein sequence and biophysical properties (such as structural, functional, and spatial information, amino acid conservation, physicochemical variation, residue mobility, and thermodynamic stability) indicates that this missense variant is expected to disrupt MYH7 protein function with a positive predictive value of 95%. Experimental studies have shown that this missense change affects MYH7 function (PMID: 24047955). In summary, the available evidence is currently insufficient to determine the role of this variant in disease. Therefore, it has been classified as a Variant of Uncertain Significance.

CHEO Genetics Diagnostic Laboratory, Children's Hospital of Eastern Ontario
Classification: Likely pathogenic for Cardiomyopathy. Last evaluated: 2021-08-11. Review status: criteria provided, single submitter. Criteria: ACMG Guidelines, 2015. Collection method: clinical testing. Allele origin: germline.

Literature cited by the submitters: PubMed 11968089 (cited by Labcorp Genetics (formerly Invitae), Labcorp); PubMed 22765922 (cited by Labcorp Genetics (formerly Invitae), Labcorp); PubMed 24047955 (cited by Labcorp Genetics (formerly Invitae), Labcorp).